The following is an entry in ClinVar:

ClinVar aggregate classification (germline): Uncertain significance (1 of 4 stars; one submission).

Conditions:
Inborn genetic diseases. Identifiers: MedGen C0950123, MeSH D030342.

gnomAD v4.1: 12 of 1,612,688 alleles (0.00074%); highest among the groups gnomAD compares: Admixed American, 0.02%; no homozygotes.

Submission:

Ambry Genetics
Classification: Uncertain significance for Inborn genetic diseases. Last evaluated: 2025-04-13. Review status: criteria provided, single submitter. Criteria: Ambry Variant Classification Scheme 2023. Collection method: clinical testing. Allele origin: germline.
Comment: The p.H143P variant (also known as c.428A>C), located in coding exon 4 of the BMPR2 gene, results from an A to C substitution at nucleotide position 428. The histidine at codon 143 is replaced by proline, an amino acid with similar properties. This amino acid position is conserved. In addition, this alteration is predicted to be tolerated by in silico analysis. Based on the available evidence, the clinical significance of this variant remains unclear.

NM_001204.7(BMPR2):c.428A>C (p.His143Pro)

Gene: BMPR2 (bone morphogenetic protein receptor type 2; plus strand). Cytogenetic location: 2q33.2.
Variant type: single nucleotide variant.
Coding change: c.428A>C on transcript NM_001204.7 (MANE Select); coding-DNA position 428, A replaced by C.
Protein change: p.His143Pro; replaces histidine 143 with proline.
Molecular consequence: missense variant.
Genome position (GRCh38, 1-based): chr2:202,513,728, A>C. VCF-style: chr2-202513728-A-C. GRCh37 (hg19) VCF-style: chr2-203378451-A-C.
Other names: short protein forms H143P.
Identifiers: ClinVar variation 3992117 (VCV003992117.1).